The following is an entry in ClinVar:

ClinVar aggregate classification (germline): Uncertain significance (1 of 4 stars; one submission).

Allele frequency attached by ClinVar (database versions not stated): gnomAD exomes below 0.00001.
gnomAD v4.1: 2 of 1,614,232 alleles (0.00012%); highest among the groups gnomAD compares: Non-Finnish European, 0.00017%; no homozygotes.

Submission:

Biesecker Lab/Clinical Genomics Section, National Institutes of Health
Classification: Uncertain significance. Last evaluated: 2013-06-24. Review status: criteria provided, single submitter. Criteria: Ng et al. (Circ Cardiovasc Genet. 2013). Collection method: research. Allele origin: unknown. Observed: 1 variant allele. Study: ClinSeq.
Comment: The study set was not selected for affection status in relation to any cancer. Pathogenicity categories were based on literature curation. See Pubmed ID:23861362 for details.

Medical sequencing

NM_000447.3(PSEN2):c.25A>G (p.Ser9Gly)

Gene: PSEN2 (presenilin 2; plus strand). Cytogenetic location: 1q42.13.
Variant type: single nucleotide variant.
Coding change: c.25A>G on transcript NM_000447.3 (MANE Select); coding-DNA position 25, A replaced by G.
Protein change: p.Ser9Gly; replaces serine 9 with glycine.
Molecular consequence: missense variant.
Genome position (GRCh38, 1-based): chr1:226,881,932, A>G. VCF-style: chr1-226881932-A-G. GRCh37 (hg19) VCF-style: chr1-227069633-A-G.
Other names: c.25A>G, p.Ser9Gly (NM_012486.3); short protein forms S9G.
Identifiers: ClinVar variation 191768 (VCV000191768.1), dbSNP rs786205285, ClinGen allele CA237497.